The following is an entry in ClinVar:

ClinVar aggregate classification (germline): Uncertain significance (1 of 4 stars; one submission).

Conditions:
Oligodontia-cancer predisposition syndrome. Also called: TOOTH AGENESIS-COLORECTAL CANCER SYNDROME. Identifiers: Orphanet 300576, MedGen C1837750, MONDO:0012075, OMIM 608615. Disease mechanism: loss of function.

Submission:

Labcorp Genetics (formerly Invitae), Labcorp
Classification: Uncertain significance for Oligodontia-cancer predisposition syndrome. Last evaluated: 2024-04-08. Review status: criteria provided, single submitter. Criteria: Invitae Variant Classification Sherloc (09022015). Collection method: clinical testing. Allele origin: germline.
Comment: This sequence change replaces glycine, which is neutral and non-polar, with arginine, which is basic and polar, at codon 665 of the AXIN2 protein (p.Gly665Arg). This variant is not present in population databases (gnomAD no frequency). This variant has not been reported in the literature in individuals affected with AXIN2-related conditions. ClinVar contains an entry for this variant (Variation ID: 1387348). Advanced modeling of protein sequence and biophysical properties (such as structural, functional, and spatial information, amino acid conservation, physicochemical variation, residue mobility, and thermodynamic stability) performed at Invitae indicates that this missense variant is not expected to disrupt AXIN2 protein function with a negative predictive value of 80%. In summary, the available evidence is currently insufficient to determine the role of this variant in disease. Therefore, it has been classified as a Variant of Uncertain Significance.

NM_004655.4(AXIN2):c.1993G>C (p.Gly665Arg)

Gene: AXIN2 (axin 2; minus strand). Cytogenetic location: 17q24.1.
Variant type: single nucleotide variant.
Coding change: c.1993G>C on transcript NM_004655.4 (MANE Select); coding-DNA position 1993, G replaced by C.
Protein change: p.Gly665Arg; replaces glycine 665 with arginine.
Molecular consequence: missense variant.
Genome position (GRCh38, 1-based): chr17:65,536,468, C>G on the plus strand (G>C on the coding strand, the complement: AXIN2 is on the minus strand). VCF-style: chr17-65536468-C-G. GRCh37 (hg19) VCF-style: chr17-63532586-C-G.
Other names: c.1798G>C, p.Gly600Arg (NM_001363813.1); short protein forms G665R, G600R.
Identifiers: ClinVar variation 1387348 (VCV001387348.6), dbSNP rs1567754332, ClinGen allele CA400676193.
Genomic context (GRCh38, chr17:65,536,468, plus strand): 5'-TCGCAGGGTCCTGGGTGAACAGGTGGGCACGGGGGGTGGTGCGGGGGTGCCCGCTGTTGC[C>G]CCCCCACAGATGGTGCCGGCTGGCTCGTTCGCCTGGAGACGAGCGGGCAGACTCCAAGGG-3'
Protein context (NP_004646.3, residues 655-675): ERASRHHLWG[Gly665Arg]NSGHPRTTPR